The following is an entry in ClinVar:

ClinVar aggregate classification (germline): Uncertain significance. Review status: criteria provided, multiple submitters, no conflicts (2 of 4 stars). 2 submissions from 2 submitters: Uncertain significance (2). Last evaluated 2024-11-23.

Conditions:
Inborn genetic diseases. Identifiers: MedGen C0950123, MeSH D030342.

Allele frequency attached by ClinVar (database versions not stated): gnomAD exomes 0.00001; gnomAD 0.00001; ExAC 0.00001.
gnomAD v4.1: 10 of 1,611,418 alleles (0.00062%); highest among the groups gnomAD compares: South Asian, 0.0088%; no homozygotes.

Submissions (2):

Ambry Genetics
Classification: Uncertain significance for Inborn genetic diseases. Last evaluated: 2024-11-23. Review status: criteria provided, single submitter. Criteria: Ambry Variant Classification Scheme 2023. Collection method: clinical testing. Allele origin: germline.
Comment: The p.N571S variant (also known as c.1712A>G), located in coding exon 11 of the ERCC6L2 gene, results from an A to G substitution at nucleotide position 1712. The asparagine at codon 571 is replaced by serine, an amino acid with highly similar properties. This amino acid position is conserved. In addition, this alteration is predicted to be tolerated by in silico analysis. Based on the available evidence, the clinical significance of this variant remains unclear.

Labcorp Genetics (formerly Invitae), Labcorp
Classification: Uncertain significance. Last evaluated: 2024-05-29. Review status: criteria provided, single submitter. Criteria: Invitae Variant Classification Sherloc (09022015). Collection method: clinical testing. Allele origin: germline.
Comment: This sequence change replaces asparagine, which is neutral and polar, with serine, which is neutral and polar, at codon 582 of the ERCC6L2 protein (p.Asn582Ser). This variant is present in population databases (rs757080600, gnomAD 0.007%). This variant has not been reported in the literature in individuals affected with ERCC6L2-related conditions. ClinVar contains an entry for this variant (Variation ID: 1406954). Experimental studies and prediction algorithms are not available or were not evaluated, and the functional significance of this variant is currently unknown. In summary, the available evidence is currently insufficient to determine the role of this variant in disease. Therefore, it has been classified as a Variant of Uncertain Significance.

NM_020207.7(ERCC6L2):c.1712A>G (p.Asn571Ser)

Gene: ERCC6L2 (ERCC excision repair 6 like 2; plus strand). Cytogenetic location: 9q22.32.
Variant type: single nucleotide variant.
Coding change: c.1712A>G on transcript NM_020207.7 (MANE Select); coding-DNA position 1712, A replaced by G.
Protein change: p.Asn571Ser; replaces asparagine 571 with serine.
Molecular consequence: missense variant. On other transcripts: non-coding transcript variant (1).
Genome position (GRCh38, 1-based): chr9:95,928,825, A>G. VCF-style: chr9-95928825-A-G. GRCh37 (hg19) VCF-style: chr9-98691107-A-G.
Other names: c.1712A>G, p.Asn571Ser (NM_001010895.4, NM_001375291.1, NM_001375292.1 and 2 more transcripts); short protein forms N571S.
Identifiers: ClinVar variation 1406954 (VCV001406954.8), dbSNP rs757080600, ClinGen allele CA5139655.